The following is an entry in ClinVar:

ClinVar aggregate classification (germline): Uncertain significance (1 of 4 stars; one submission).

Conditions:
Generalized epilepsy with febrile seizures plus, type 7 (GEFSP7). Also called: GEFS+, TYPE 7. Identifiers: Orphanet 36387, MedGen C2751778, MONDO:0013470, OMIM 613863.
Neuropathy, hereditary sensory and autonomic, type 2A (HSAN2A). Also called: ACROOSTEOLYSIS, GIACCAI TYPE; ACROOSTEOLYSIS, NEUROGENIC; WNK1-Related HSAN2 (HSAN2A); HSAN IIA; MORVAN DISEASE; NEUROPATHY, CONGENITAL SENSORY. Identifiers: Orphanet 970, MedGen C2752089, MONDO:0024309, OMIM 201300.

Submission:

Labcorp Genetics (formerly Invitae), Labcorp
Classification: Uncertain significance for Neuropathy, hereditary sensory and autonomic, type 2A; Generalized epilepsy with febrile seizures plus, type 7. Last evaluated: 2022-10-02. Review status: criteria provided, single submitter. Criteria: Invitae Variant Classification Sherloc (09022015). Collection method: clinical testing. Allele origin: germline.
Comment: In summary, the available evidence is currently insufficient to determine the role of this variant in disease. Therefore, it has been classified as a Variant of Uncertain Significance. Advanced modeling of protein sequence and biophysical properties (such as structural, functional, and spatial information, amino acid conservation, physicochemical variation, residue mobility, and thermodynamic stability) performed at Invitae indicates that this missense variant is not expected to disrupt SCN9A protein function. This variant has not been reported in the literature in individuals affected with SCN9A-related conditions. This variant is not present in population databases (gnomAD no frequency). This sequence change replaces leucine, which is neutral and non-polar, with isoleucine, which is neutral and non-polar, at codon 207 of the SCN9A protein (p.Leu207Ile).

NM_001365536.1(SCN9A):c.619C>A (p.Leu207Ile)

Gene: SCN9A (sodium voltage-gated channel alpha subunit 9; minus strand). Cytogenetic location: 2q24.3.
Variant type: single nucleotide variant.
Coding change: c.619C>A on transcript NM_001365536.1 (MANE Select); coding-DNA position 619, C replaced by A.
Protein change: p.Leu207Ile; replaces leucine 207 with isoleucine.
Molecular consequence: missense variant.
Genome position (GRCh38, 1-based): chr2:166,304,307, G>T on the plus strand (C>A on the coding strand, the complement: SCN9A is on the minus strand). VCF-style: chr2-166304307-G-T. GRCh37 (hg19) VCF-style: chr2-167160817-G-T.
Other names: c.619C>A, p.Leu207Ile (NM_002977.4); short protein forms L207I.
Identifiers: ClinVar variation 1720832 (VCV001720832.6), dbSNP rs1698680436, ClinGen allele CA349094302.